The following is an entry in ClinVar:

ClinVar aggregate classification (germline): Uncertain significance (1 of 4 stars; one submission).

gnomAD v4.1: 25 of 1,613,248 alleles (0.0015%); highest among the groups gnomAD compares: South Asian, 0.012%; no homozygotes.

Submission:

Labcorp Genetics (formerly Invitae), Labcorp
Classification: Uncertain significance. Last evaluated: 2025-08-04. Review status: criteria provided, single submitter. Criteria: Invitae Variant Classification Sherloc (09022015). Collection method: clinical testing. Allele origin: germline.
Comment: This sequence change replaces arginine, which is basic and polar, with glutamine, which is neutral and polar, at codon 837 of the ACTN4 protein (p.Arg837Gln). This variant is present in population databases (rs368563044, gnomAD 0.003%). This missense change has been observed in individual(s) with focal segmental glomerulosclerosis (PMID: 16251236, 19142020). An algorithm developed to predict the effect of missense changes on protein structure and function (PolyPhen-2) suggests that this variant is likely to be tolerated. Experimental studies have shown that this missense change does not substantially affect ACTN4 function (PMID: 16251236). In summary, the available evidence is currently insufficient to determine the role of this variant in disease. Therefore, it has been classified as a Variant of Uncertain Significance.

Literature cited by the submitters: PubMed 16251236; PubMed 19142020.

NM_004924.6(ACTN4):c.2510G>A (p.Arg837Gln)

Gene: ACTN4 (actinin alpha 4; plus strand). Cytogenetic location: 19q13.2.
Variant type: single nucleotide variant.
Coding change: c.2510G>A on transcript NM_004924.6 (MANE Select); coding-DNA position 2510, G replaced by A.
Protein change: p.Arg837Gln; replaces arginine 837 with glutamine.
Molecular consequence: missense variant.
Genome position (GRCh38, 1-based): chr19:38,729,087, G>A. VCF-style: chr19-38729087-G-A. GRCh37 (hg19) VCF-style: chr19-39219727-G-A.
Other names: c.2495G>A, p.Arg832Gln (NM_001322033.2, NM_001440298.1); c.2510G>A, p.Arg837Gln (NM_001411143.1); c.2576G>A, p.Arg859Gln (NM_001440296.1, NM_001440300.1); c.2258G>A, p.Arg753Gln (NM_001440299.1); short protein forms R832Q, R859Q, R753Q, R837Q.
Identifiers: ClinVar variation 4736720 (VCV004736720.1).